The following is an entry in ClinVar:

ClinVar aggregate classification (germline): Uncertain significance (1 of 4 stars; one submission).

Conditions:
GLUT1 deficiency syndrome 1, autosomal recessive. Identifiers: MedGen C3149117.

Allele frequency attached by ClinVar (database versions not stated): gnomAD exomes below 0.00001.
gnomAD v4.1: 1 of 1,613,624 alleles (0.000062%); highest among the groups gnomAD compares: East Asian, 0.0022%; no homozygotes.

Submission:

Labcorp Genetics (formerly Invitae), Labcorp
Classification: Uncertain significance for GLUT1 deficiency syndrome 1, autosomal recessive. Last evaluated: 2023-10-29. Review status: criteria provided, single submitter. Criteria: Invitae Variant Classification Sherloc (09022015). Collection method: clinical testing. Allele origin: germline.
Comment: This sequence change replaces threonine, which is neutral and polar, with isoleucine, which is neutral and non-polar, at codon 321 of the SLC2A1 protein (p.Thr321Ile). This variant is not present in population databases (gnomAD no frequency). This variant has not been reported in the literature in individuals affected with SLC2A1-related conditions. Advanced modeling of protein sequence and biophysical properties (such as structural, functional, and spatial information, amino acid conservation, physicochemical variation, residue mobility, and thermodynamic stability) performed at Invitae indicates that this missense variant is expected to disrupt SLC2A1 protein function with a positive predictive value of 95%. In summary, the available evidence is currently insufficient to determine the role of this variant in disease. Therefore, it has been classified as a Variant of Uncertain Significance.

NM_006516.4(SLC2A1):c.962C>T (p.Thr321Ile)

Gene: SLC2A1 (solute carrier family 2 member 1; minus strand). Cytogenetic location: 1p34.2.
Variant type: single nucleotide variant.
Coding change: c.962C>T on transcript NM_006516.4 (MANE Select); coding-DNA position 962, C replaced by T.
Protein change: p.Thr321Ile; replaces threonine 321 with isoleucine.
Molecular consequence: missense variant.
Genome position (GRCh38, 1-based): chr1:42,929,220, G>A on the plus strand (C>T on the coding strand, the complement: SLC2A1 is on the minus strand). VCF-style: chr1-42929220-G-A. GRCh37 (hg19) VCF-style: chr1-43394891-G-A.
Other names: short protein forms T321I.
Identifiers: ClinVar variation 2772568 (VCV002772568.3), dbSNP rs1643460406, ClinGen allele CA339956328.